The following is an entry in ClinVar:

NM_033380.3(COL4A5):c.2210del (p.Gly737fs)

Gene: COL4A5 (collagen type IV alpha 5 chain; plus strand). Cytogenetic location: Xq22.3.
Variant type: Deletion.
Coding change: c.2210del on transcript NM_033380.3 (MANE Select); coding-DNA position 2210, one base deleted (G; older notation c.2210delG).
Protein change: p.Gly737fs; shifts the reading frame from glycine 737.
Molecular consequence: frameshift variant.
Genome position (GRCh38, 1-based): chrX:108,603,027, G deleted; the last of 2 consecutive G bases (chrX:108,603,026-108,603,027); deleting either gives the same sequence. VCF-style (leftmost placement, unchanged base first): chrX-108603025-AG-A. GRCh37 (hg19) VCF-style: chrX-107846255-AG-A.
Other names: c.2210delG (NM_000495.4); c.2210del, p.Gly737fs (NM_000495.5); short protein forms G737fs.
Identifiers: ClinVar variation 2764411 (VCV002764411.4), dbSNP rs2524333211, ClinGen allele CA2697544729.

ClinVar aggregate classification (germline): Pathogenic/Likely pathogenic. Review status: criteria provided, multiple submitters, no conflicts (2 of 4 stars). 2 submissions from 2 submitters: Pathogenic (1); Likely pathogenic (1). Last evaluated 2025-09-23.

Conditions:
COL4A5-related disorder. Also called: COL4A5-related condition.

Submissions (2):

PreventionGenetics, part of Exact Sciences
Classification: Likely pathogenic for COL4A5-related condition. Last evaluated: 2025-09-23. Review status: criteria provided, single submitter. Criteria: ACMG Guidelines, 2015. Collection method: clinical testing. Allele origin: germline.
Comment: The COL4A5 c.2210delG variant is predicted to result in a frameshift and premature protein termination (p.Gly737Alafs*55). To our knowledge, this variant has not been reported in the literature or in a large population database (gnomAD), indicating this variant is rare. Frameshift variants in COL4A5 are expected to be pathogenic. This variant is interpreted as likely pathogenic.

Labcorp Genetics (formerly Invitae), Labcorp
Classification: Pathogenic. Last evaluated: 2023-09-29. Review status: criteria provided, single submitter. Criteria: Invitae Variant Classification Sherloc (09022015). Collection method: clinical testing. Allele origin: germline.
Comment: This sequence change creates a premature translational stop signal (p.Gly737Alafs*55) in the COL4A5 gene. It is expected to result in an absent or disrupted protein product. Loss-of-function variants in COL4A5 are known to be pathogenic (PMID: 9195222, 10752524, 14514738, 24854265, 26809805). This variant is not present in population databases (gnomAD no frequency). This variant has not been reported in the literature in individuals affected with COL4A5-related conditions. For these reasons, this variant has been classified as Pathogenic.

Literature cited by the submitters: PubMed 9195222 (cited by Labcorp Genetics (formerly Invitae), Labcorp); PubMed 10752524 (cited by Labcorp Genetics (formerly Invitae), Labcorp); PubMed 14514738 (cited by Labcorp Genetics (formerly Invitae), Labcorp); PubMed 24854265 (cited by Labcorp Genetics (formerly Invitae), Labcorp); PubMed 26809805 (cited by Labcorp Genetics (formerly Invitae), Labcorp).